The following is an entry in ClinVar:

ClinVar aggregate classification (germline): Conflicting classifications of pathogenicity. Review status: criteria provided, conflicting classifications (1 of 4 stars). 6 submissions from 6 submitters: Likely pathogenic (3); Uncertain significance (2). 1 of the submissions does not count toward it. Last evaluated 2025-09-23.

Conditions:
Perrault syndrome. Also called: Gonadal dysgenesis with auditory dysfunction, autosomal recessive inheritance. Identifiers: Orphanet 2855, MedGen C0685838, MONDO:0017312.
Bifunctional peroxisomal enzyme deficiency (DBIF). Also called: DBP DEFICIENCY; PBFE DEFICIENCY; D-bifunctional protein deficiency. Identifiers: Orphanet 300, MedGen C0342870, MONDO:0009855, OMIM 261515. Disease mechanism: loss of function.
Perrault syndrome 1 (PRLTS1). Also called: GONADAL DYSGENESIS, XX TYPE, WITH DEAFNESS; OVARIAN DYSGENESIS WITH SENSORINEURAL DEAFNESS. Identifiers: Orphanet 2855, Orphanet 642945, MedGen C4551721, MONDO:0009300, OMIM 233400.

Allele frequency attached by ClinVar (database versions not stated): TOPMed 0.00001.

Submissions (6):

Women's Health and Genetics/Laboratory Corporation of America, LabCorp
Classification: Uncertain significance. Last evaluated: 2025-09-23. Review status: criteria provided, single submitter. Criteria: LabCorp Variant Classification Summary - May 2015. Collection method: clinical testing. Allele origin: germline.
Comment: Variant summary: HSD17B4 c.1628G>C (p.Arg543Pro) results in a non-conservative amino acid change in the encoded protein sequence. Algorithms developed to predict the effect of missense changes on protein structure and function are either unavailable or do not agree on the potential impact of this missense change. The variant allele was found at a frequency of 4e-06 in 251252 control chromosomes. c.1628G>C has been observed in individuals affected with D-Bifunctional Protein Deficiency (Sawyer_2014, Lines_2014). These data indicate that the variant may be associated with disease. To our knowledge, no experimental evidence demonstrating an impact on protein function has been reported. The following publications have been ascertained in the context of this evaluation (PMID: 33163565, 24553428, 28017249, 24108619). ClinVar contains an entry for this variant (Variation ID: 137619). Based on the evidence outlined above, the variant was classified as VUS-possibly pathogenic.

Natera, Inc.
Classification: Likely pathogenic for Bifunctional peroxisomal enzyme deficiency. Last evaluated: 2025-01-16. Review status: criteria provided, single submitter. Criteria: Natera Variant Classification Schema (03/2026). Collection method: clinical testing. Allele origin: germline.
Comment: The c.1628G>C variant in HSD17B4 is a missense variant predicted to cause substitution of arginine to proline at amino acid 543. This variant is rare in the general population with a frequency below the threshold expected for the associated phenotype(s). This variant has been observed in one or more individuals affected with the associated recessive disease, as either homozygous or compound heterozygous with a second variant (PMID: 24553428). Additionally, this variant has been observed to segregate in affected family members (PMID: 24553428). Computational prediction algorithms indicate this variant is likely to affect gene or protein function. Given the available evidence, this variant is classified as Likely Pathogenic.

Labcorp Genetics (formerly Invitae), Labcorp
Classification: Likely pathogenic for Perrault syndrome; Bifunctional peroxisomal enzyme deficiency. Last evaluated: 2024-12-16. Review status: criteria provided, single submitter. Criteria: Invitae Variant Classification Sherloc (09022015). Collection method: clinical testing. Allele origin: germline.
Comment: This sequence change replaces arginine, which is basic and polar, with proline, which is neutral and non-polar, at codon 543 of the HSD17B4 protein (p.Arg543Pro). This variant is present in population databases (rs201009485, gnomAD 0.0009%). This missense change has been observed in individual(s) with D-bifunctional protein deficiency (PMID: 24108619, 24553428). In at least one individual the data is consistent with being in trans (on the opposite chromosome) from a pathogenic variant. It has also been observed to segregate with disease in related individuals. ClinVar contains an entry for this variant (Variation ID: 137619). Invitae Evidence Modeling of protein sequence and biophysical properties (such as structural, functional, and spatial information, amino acid conservation, physicochemical variation, residue mobility, and thermodynamic stability) has been performed for this missense variant. However, the output from this modeling did not meet the statistical confidence thresholds required to predict the impact of this variant on HSD17B4 protein function. In summary, the currently available evidence indicates that the variant is pathogenic, but additional data are needed to prove that conclusively. Therefore, this variant has been classified as Likely Pathogenic.

Baylor Genetics
Classification: Likely pathogenic for Bifunctional peroxisomal enzyme deficiency. Last evaluated: 2023-10-28. Review status: criteria provided, single submitter. Criteria: ACMG Guidelines, 2015. Collection method: clinical testing. Allele origin: unknown.

Eurofins Ntd Llc (ga)
Classification: Uncertain significance. Last evaluated: 2017-12-13. Review status: criteria provided, single submitter. Criteria: EGL Classification Definitions 2015. Collection method: clinical testing. Allele origin: germline. Observed: 1 variant allele, 1 heterozygote.

OMIM
Classification: Pathogenic for PERRAULT SYNDROME 1. Last evaluated: 2014-03-18. Review status: no assertion criteria provided. Collection method: literature only. Allele origin: germline. Not counted in ClinVar's aggregate classification.

Literature cited by the submitters: PubMed 28017249 (cited by Women's Health and Genetics/Laboratory Corporation of America, LabCorp); PubMed 24108619 (cited by Women's Health and Genetics/Laboratory Corporation of America, LabCorp and Labcorp Genetics (formerly Invitae), Labcorp); PubMed 33163565 (cited by Women's Health and Genetics/Laboratory Corporation of America, LabCorp); PubMed 24553428 (cited by 4 submitters).

NM_000414.4(HSD17B4):c.1628G>C (p.Arg543Pro)

Gene: HSD17B4 (hydroxysteroid 17-beta dehydrogenase 4; plus strand). Cytogenetic location: 5q23.1.
Variant type: single nucleotide variant.
Coding change: c.1628G>C on transcript NM_000414.4 (MANE Select); coding-DNA position 1628, G replaced by C.
Protein change: p.Arg543Pro; replaces arginine 543 with proline.
Molecular consequence: missense variant.
Genome position (GRCh38, 1-based): chr5:119,525,971, G>C. VCF-style: chr5-119525971-G-C. GRCh37 (hg19) VCF-style: chr5-118861666-G-C.
Other names: c.1703G>C, p.Arg568Pro (NM_001199291.3); c.1574G>C, p.Arg525Pro (NM_001199292.2); c.1556G>C, p.Arg519Pro (NM_001292027.2); c.1208G>C, p.Arg403Pro (NM_001292028.2); c.1628G>C (NM_000414.3); short protein forms R543P, R403P, R568P, R525P, R519P.
Identifiers: ClinVar variation 137619 (VCV000137619.13), dbSNP rs201009485, ClinGen allele CA163187.